The following is an entry in ClinVar:

NM_015047.3(EMC1):c.601A>G (p.Lys201Glu)

Gene: EMC1 (ER membrane protein complex subunit 1; minus strand). Cytogenetic location: 1p36.13.
Variant type: single nucleotide variant.
Coding change: c.601A>G on transcript NM_015047.3 (MANE Select); coding-DNA position 601, A replaced by G.
Protein change: p.Lys201Glu; replaces lysine 201 with glutamic acid.
Molecular consequence: missense variant.
Genome position (GRCh38, 1-based): chr1:19,241,051, T>C on the plus strand (A>G on the coding strand, the complement: EMC1 is on the minus strand). VCF-style: chr1-19241051-T-C. GRCh37 (hg19) VCF-style: chr1-19567545-T-C.
Other names: c.601A>G (NM_015047.1); c.601A>G, p.Lys201Glu (NM_001271427.2, NM_001271428.2, NM_001375820.1 and 1 more transcripts); c.535A>G, p.Lys179Glu (NM_001271429.2); short protein forms K179E, K201E.
Identifiers: ClinVar variation 2044137 (VCV002044137.5), dbSNP rs2536789564, ClinGen allele CA338769973.

ClinVar aggregate classification (germline): Uncertain significance. Review status: criteria provided, multiple submitters, no conflicts (2 of 4 stars). 2 submissions from 2 submitters: Uncertain significance (2). Last evaluated 2025-12-02.

Conditions:
Inborn genetic diseases. Identifiers: MedGen C0950123, MeSH D030342.

Submissions (2):

Ambry Genetics
Classification: Uncertain significance for Inborn genetic diseases. Last evaluated: 2025-12-02. Review status: criteria provided, single submitter. Criteria: Ambry Variant Classification Scheme 2023. Collection method: clinical testing. Allele origin: germline.

Labcorp Genetics (formerly Invitae), Labcorp
Classification: Uncertain significance. Last evaluated: 2021-12-16. Review status: criteria provided, single submitter. Criteria: Invitae Variant Classification Sherloc (09022015). Collection method: clinical testing. Allele origin: germline.
Comment: In summary, the available evidence is currently insufficient to determine the role of this variant in disease. Therefore, it has been classified as a Variant of Uncertain Significance. Algorithms developed to predict the effect of missense changes on protein structure and function (SIFT, PolyPhen-2, Align-GVGD) all suggest that this variant is likely to be tolerated. This variant has not been reported in the literature in individuals affected with EMC1-related conditions. This variant is not present in population databases (gnomAD no frequency). This sequence change replaces lysine, which is basic and polar, with glutamic acid, which is acidic and polar, at codon 201 of the EMC1 protein (p.Lys201Glu).